The following is an entry in ClinVar:

NM_030962.4(SBF2):c.5054C>G (p.Ser1685Trp)

Genes: SBF2 (SET binding factor 2; minus strand), SBF2-AS1 (SBF2 antisense RNA 1; plus strand), LOC105369149 (uncharacterized LOC105369149; plus strand). Cytogenetic location: 11p15.4.
Variant type: single nucleotide variant.
Coding change: c.5054C>G on transcript NM_030962.4 (MANE Select); coding-DNA position 5054, C replaced by G.
Protein change: p.Ser1685Trp; replaces serine 1685 with tryptophan.
Molecular consequence: missense variant.
Genome position (GRCh38, 1-based): chr11:9,785,302, G>C on the plus strand (C>G on the coding strand, the complement: SBF2 is on the minus strand). VCF-style: chr11-9785302-G-C. GRCh37 (hg19) VCF-style: chr11-9806849-G-C.
Other names: c.5150C>G, p.Ser1717Trp (NM_001386339.1); c.4925C>G, p.Ser1642Trp (NM_001386342.1); short protein forms S1685W, S1642W, S1717W.
Identifiers: ClinVar variation 426520 (VCV000426520.18), dbSNP rs148468522, ClinGen allele CA5880799.

ClinVar aggregate classification (germline): Uncertain significance. Review status: criteria provided, multiple submitters, no conflicts (2 of 4 stars). 6 submissions from 6 submitters: Uncertain significance (6). Last evaluated 2026-06-02.

Conditions:
SBF2-related disorder. Also called: SBF2-related condition.
Inborn genetic diseases. Identifiers: MedGen C0950123, MeSH D030342.
Charcot-Marie-Tooth disease type 4. Also called: Charcot-Marie-Tooth disease, type IV; Charcot-Marie-Tooth, Type 4. Identifiers: Orphanet 64749, MedGen C4082197, MONDO:0018995.
Charcot-Marie-Tooth disease type 4B2. Also called: Charcot-Marie-Tooth Neuropathy Type 4B2; CHARCOT-MARIE-TOOTH DISEASE, WITH FOCALLY FOLDED MYELIN SHEATHS, AUTOSOMAL RECESSIVE, TYPE 4B2; CHARCOT-MARIE-TOOTH DISEASE, DEMYELINATING, TYPE 4B2; CMT 4B2. Identifiers: Orphanet 99956, MedGen C1858278, MONDO:0011475, OMIM 604563.

Allele frequency attached by ClinVar (database versions not stated): gnomAD 0.00048; TOPMed 0.00051; ESP Exome Variant Server 0.00062.
gnomAD v4.1: 123 of 1,614,082 alleles (0.0076%); highest among the groups gnomAD compares: African/African-American, 0.14%; no homozygotes.

Submissions (6):

Women's Health and Genetics/Laboratory Corporation of America, LabCorp
Classification: Uncertain significance. Last evaluated: 2026-06-02. Review status: criteria provided, single submitter. Criteria: LabCorp Variant Classification Summary - May 2015. Collection method: clinical testing. Allele origin: germline.
Comment: Variant summary: SBF2 c.5054C>G (p.Ser1685Trp) results in a non-conservative amino acid change in the encoded protein sequence. Algorithms developed to predict the effect of missense changes on protein structure and function are either unavailable or do not agree on the potential impact of this missense change. The variant allele was found at a frequency of 9.5e-05 in 251472 control chromosomes. This frequency is not significantly higher than estimated for disease-causing variants in SBF2, allowing no conclusion about variant significance. To our knowledge, no occurrence of c.5054C>G in individuals affected with SBF2-related conditions and no experimental evidence demonstrating its impact on protein function have been reported. ClinVar contains an entry for this variant (Variation ID: 426520). Based on the evidence outlined above, the variant was classified as uncertain significance.

Labcorp Genetics (formerly Invitae), Labcorp
Classification: Uncertain significance for Charcot-Marie-Tooth disease type 4. Last evaluated: 2025-12-23. Review status: criteria provided, single submitter. Criteria: Invitae Variant Classification Sherloc (09022015). Collection method: clinical testing. Allele origin: germline.
Comment: This sequence change replaces serine, which is neutral and polar, with tryptophan, which is neutral and slightly polar, at codon 1685 of the SBF2 protein (p.Ser1685Trp). This variant is present in population databases (rs148468522, gnomAD 0.1%). This variant has not been reported in the literature in individuals affected with SBF2-related conditions. ClinVar contains an entry for this variant (Variation ID: 426520). Invitae Evidence Modeling of protein sequence and biophysical properties (such as structural, functional, and spatial information, amino acid conservation, physicochemical variation, residue mobility, and thermodynamic stability) indicates that this missense variant is not expected to disrupt SBF2 protein function with a negative predictive value of 80%. In summary, the available evidence is currently insufficient to determine the role of this variant in disease. Therefore, it has been classified as a Variant of Uncertain Significance.

PreventionGenetics, part of Exact Sciences
Classification: Uncertain significance for SBF2-related condition. Last evaluated: 2025-03-01. Review status: criteria provided, single submitter. Criteria: ACMG Guidelines, 2015. Collection method: clinical testing. Allele origin: germline.
Comment: The SBF2 c.5054C>G variant is predicted to result in the amino acid substitution p.Ser1685Trp. To our knowledge, this variant has not been reported in the literature. This variant is reported in 0.14% of alleles in individuals of African descent in gnomAD. Although we suspect that this variant may be benign, at this time, the clinical significance of this variant is uncertain due to the absence of conclusive functional and genetic evidence.

Ambry Genetics
Classification: Uncertain significance for Inborn genetic diseases. Last evaluated: 2024-10-21. Review status: criteria provided, single submitter. Criteria: Ambry Variant Classification Scheme 2023. Collection method: clinical testing. Allele origin: germline.

GeneDx
Classification: Uncertain significance. Last evaluated: 2022-12-19. Review status: criteria provided, single submitter. Criteria: GeneDx Variant Classification Process June 2021. Collection method: clinical testing. Allele origin: germline. Affected: yes.
Comment: In silico analysis supports that this missense variant has a deleterious effect on protein structure/function; Has not been previously published as pathogenic or benign to our knowledge

Baylor Genetics
Classification: Uncertain significance for Charcot-Marie-Tooth disease type 4B2. Last evaluated: 2020-05-15. Review status: criteria provided, single submitter. Criteria: ACMG Guidelines, 2015. Collection method: clinical testing. Allele origin: unknown. Affected: yes.
Comment: This variant was determined to be of uncertain significance according to ACMG Guidelines, 2015 [PMID:25741868].